The following is an entry in ClinVar:

NM_032043.3(BRIP1):c.93+8T>G

Gene: BRIP1 (BRCA1 interacting DNA helicase 1; minus strand). Cytogenetic location: 17q23.2.
Variant type: single nucleotide variant.
Coding change: c.93+8T>G on transcript NM_032043.3 (MANE Select); 8 bases into the intron after coding-DNA position 93, T replaced by G.
Molecular consequence: intron variant.
Genome position (GRCh38, 1-based): chr17:61,861,439, A>C on the plus strand (T>G on the coding strand, the complement: BRIP1 is on the minus strand). VCF-style: chr17-61861439-A-C. GRCh37 (hg19) VCF-style: chr17-59938800-A-C.
Identifiers: ClinVar variation 575163 (VCV000575163.11), dbSNP rs1567878012, ClinGen allele CA891844434.

ClinVar aggregate classification (germline): Conflicting classifications of pathogenicity. Review status: criteria provided, conflicting classifications (1 of 4 stars). 3 submissions from 3 submitters: Uncertain significance (1); Likely benign (2). Last evaluated 2024-08-09.

Conditions:
Familial cancer of breast. Also called: hereditary breast carcinoma; BREAST CANCER, FAMILIAL; Hereditary breast cancer. Identifiers: Orphanet 227535, MedGen C0346153, MONDO:0016419, OMIM 114480. Disease mechanism: loss of function.
Fanconi anemia complementation group J. Also called: BRIP1-Related Fanconi Anemia. Identifiers: Orphanet 84, MedGen C1836860, MONDO:0012187, OMIM 609054.

Submissions (3):

Myriad Genetics, Inc.
Classification: Likely benign for Familial cancer of breast. Last evaluated: 2024-08-09. Review status: criteria provided, single submitter. Criteria: Myriad Autosomal Dominant, Autosomal Recessive and X-Linked Classification Criteria (2023). Collection method: clinical testing. Allele origin: unknown.
Comment: This variant is considered likely benign. This variant is intronic and is not expected to impact mRNA splicing.

Labcorp Genetics (formerly Invitae), Labcorp
Classification: Likely benign for Familial cancer of breast; Fanconi anemia complementation group J. Last evaluated: 2024-02-19. Review status: criteria provided, single submitter. Criteria: Invitae Variant Classification Sherloc (09022015). Collection method: clinical testing. Allele origin: germline.

Fulgent Genetics
Classification: Uncertain significance for Familial cancer of breast; Fanconi anemia complementation group J. Last evaluated: 2021-07-11. Review status: criteria provided, single submitter. Criteria: ACMG Guidelines, 2015. Collection method: clinical testing. Allele origin: unknown.